The following is an entry in ClinVar:

ClinVar aggregate classification (germline): Likely benign (0 of 4 stars; one submission).

Conditions:
SH2B1-related disorder. Also called: SH2B1-related condition.

Allele frequency attached by ClinVar (database versions not stated): TOPMed 0.00001; gnomAD exomes 0.00005; ESP Exome Variant Server 0.00008.
gnomAD v4.1: 74 of 1,614,166 alleles (0.0046%); highest among the groups gnomAD compares: Non-Finnish European, 0.0057%; no homozygotes.

Submission:

PreventionGenetics, part of Exact Sciences
Classification: Likely benign for SH2B1-related condition. Last evaluated: 2021-01-18. Review status: no assertion criteria provided. Collection method: clinical testing. Allele origin: germline.
Comment: This variant is classified as likely benign based on ACMG/AMP sequence variant interpretation guidelines (Richards et al. 2015 PMID: 25741868, with internal and published modifications).

NM_001387430.1(SH2B1):c.1179C>T (p.Ala393=)

Gene: SH2B1 (SH2B adaptor protein 1; plus strand). Cytogenetic location: 16p11.2.
Variant type: single nucleotide variant.
Coding change: c.1179C>T on transcript NM_001387430.1 (MANE Select); coding-DNA position 1179, C replaced by T.
Protein change: p.Ala393=; no amino-acid change (alanine 393 retained).
Molecular consequence: synonymous variant.
Genome position (GRCh38, 1-based): chr16:28,869,253, C>T. VCF-style: chr16-28869253-C-T. GRCh37 (hg19) VCF-style: chr16-28880574-C-T.
Other names: c.1179C>T, p.Ala393= (NM_001145795.2, NM_001145796.2, NM_001145797.2 and 4 more transcripts); c.171C>T, p.Ala57= (NM_001308294.2).
Identifiers: ClinVar variation 3030639 (VCV003030639.2), dbSNP rs376548199, ClinGen allele CA279220911.